The following is an entry in ClinVar:

ClinVar aggregate classification (germline): Benign/Likely benign. Review status: criteria provided, multiple submitters, no conflicts (2 of 4 stars). 6 submissions from 6 submitters: Benign (2); Likely benign (4). Last evaluated 2026-01-24.

Conditions:
Nephronophthisis. Also called: Juvenile Nephronophthisis. Identifiers: Orphanet 655, MedGen C0687120, MONDO:0019005, HP:0000090.
Infantile nephronophthisis (NPHP2). Also called: Nephronophthisis 2, infantile; Nephronophthisis 2. Identifiers: Orphanet 655, Orphanet 93591, MedGen C1865872, MONDO:0011190, OMIM 602088.

Allele frequency attached by ClinVar (database versions not stated): gnomAD exomes 0.00010 and 0.00033; ExAC 0.00045; gnomAD 0.00133 and 0.00140; TOPMed 0.00156; ESP Exome Variant Server 0.00161; 1000 Genomes Project 30x 0.00172; 1000 Genomes Project 0.00220.
gnomAD v4.1: 357 of 1,613,134 alleles (0.022%); highest among the groups gnomAD compares: African/African-American, 0.42%; 1 homozygote.

Submissions (6):

Labcorp Genetics (formerly Invitae), Labcorp
Classification: Likely benign for Nephronophthisis. Last evaluated: 2026-01-24. Review status: criteria provided, single submitter. Criteria: Invitae Variant Classification Sherloc (09022015). Collection method: clinical testing. Allele origin: germline.

Blueprint Genetics
Classification: Likely benign. Last evaluated: 2024-10-09. Review status: criteria provided, single submitter. Criteria: ACMG Guidelines, 2015. Collection method: clinical testing. Allele origin: germline.

Mendelics
Classification: Benign for Infantile nephronophthisis. Last evaluated: 2019-05-28. Review status: criteria provided, single submitter. Criteria: Mendelics Assertion Criteria 2017. Collection method: clinical testing. Allele origin: unknown.

Illumina Laboratory Services, Illumina
Classification: Likely benign for Infantile nephronophthisis. Last evaluated: 2017-04-27. Review status: criteria provided, single submitter. Criteria: ICSL Variant Classification Criteria 13 December 2019. Collection method: clinical testing. Allele origin: germline.
Comment: This variant was observed as part of a predisposition screen in an ostensibly healthy population. A literature search was performed for the gene, cDNA change, and amino acid change (where applicable). No publications were found based on this search. Allele frequency data from public databases allowed determination this variant is unlikely to cause disease. Therefore, this variant is classified as likely benign.

Eurofins Ntd Llc (ga)
Classification: Benign. Last evaluated: 2015-02-02. Review status: criteria provided, single submitter. Criteria: EGL Classification Definitions 2015. Collection method: clinical testing. Allele origin: germline. Observed: 1 variant allele, 1 heterozygote.

Breakthrough Genomics
Classification: Likely benign. Review status: criteria provided, single submitter. Criteria: ACMG Guidelines, 2015. Collection method: not provided. Allele origin: germline. Inheritance: Autosomal recessive inheritance. Affected: yes.

NM_014425.5(INVS):c.913G>A (p.Val305Ile)

Gene: INVS (inversin; plus strand). Cytogenetic location: 9q31.1.
Variant type: single nucleotide variant.
Coding change: c.913G>A on transcript NM_014425.5 (MANE Select); coding-DNA position 913, G replaced by A.
Protein change: p.Val305Ile; replaces valine 305 with isoleucine.
Molecular consequence: missense variant. On other transcripts: 5 prime UTR variant (1), non-coding transcript variant (1).
Genome position (GRCh38, 1-based): chr9:100,246,622, G>A. VCF-style: chr9-100246622-G-A. GRCh37 (hg19) VCF-style: chr9-103008904-G-A.
Other names: c.625G>A, p.Val209Ile (NM_001318381.2); c.-66G>A (NM_001318382.2); short protein forms V305I, V209I.
Identifiers: ClinVar variation 198857 (VCV000198857.22), dbSNP rs116438342, ClinGen allele CA203650.
Genomic context (GRCh38, chr9:100,246,622, plus strand): 5'-CCACAGAAAATACTACTGTTTTGTCTCCATTTTTTAAATCAAGTTTTCTTACAGGAAACG[G>A]TTAAAGTGTTTTTAAAACATCCTTCAGTGAAAGATGATTCAGACCTGGAAGGAAGAACAT-3'
Protein context (NP_055240.2, residues 295-315): YAAQSNFAET[Val305Ile]KVFLKHPSVK